The following is an entry in ClinVar:

ClinVar aggregate classification (germline): Uncertain significance (1 of 4 stars; one submission).

Conditions:
Stormorken syndrome (STRMK). Also called: THROMBOCYTOPATHY, ASPLENIA, AND MIOSIS. Identifiers: Orphanet 3204, MedGen C1861451, MONDO:0008497, OMIM 185070.
Combined immunodeficiency due to STIM1 deficiency. Also called: IMMUNODEFICIENCY 10; STIM1 DEFICIENCY. Identifiers: Orphanet 169090, Orphanet 317430, MedGen C2748557, MONDO:0013008, OMIM 612783.
Myopathy with tubular aggregates (TAM). Also called: Tubular Aggregate Myopathy. Identifiers: Orphanet 2593, MedGen C0410207, MONDO:0008051.

Allele frequency attached by ClinVar (database versions not stated): ExAC 0.00002.

Submission:

Labcorp Genetics (formerly Invitae), Labcorp
Classification: Uncertain significance for Myopathy with tubular aggregates; Combined immunodeficiency due to STIM1 deficiency; Stormorken syndrome. Last evaluated: 2024-07-21. Review status: criteria provided, single submitter. Criteria: Invitae Variant Classification Sherloc (09022015). Collection method: clinical testing. Allele origin: germline.
Comment: This sequence change replaces alanine, which is neutral and non-polar, with threonine, which is neutral and polar, at codon 38 of the STIM1 protein (p.Ala38Thr). This variant is present in population databases (rs774499633, gnomAD 0.02%). This variant has not been reported in the literature in individuals affected with STIM1-related conditions. An algorithm developed to predict the effect of missense changes on protein structure and function outputs the following: PolyPhen-2: "Benign". The threonine amino acid residue is found in multiple mammalian species, which suggests that this missense change does not adversely affect protein function. In summary, the available evidence is currently insufficient to determine the role of this variant in disease. Therefore, it has been classified as a Variant of Uncertain Significance.

NM_001382567.1(STIM1):c.112G>A (p.Ala38Thr)

Gene: STIM1 (stromal interaction molecule 1; plus strand). Cytogenetic location: 11p15.4.
Variant type: single nucleotide variant.
Coding change: c.112G>A on transcript NM_001382567.1 (MANE Select); coding-DNA position 112, G replaced by A.
Protein change: p.Ala38Thr; replaces alanine 38 with threonine.
Molecular consequence: missense variant. On other transcripts: intron variant (10), synonymous variant (1), 5 prime UTR variant (1), non-coding transcript variant (3).
Genome position (GRCh38, 1-based): chr11:3,856,382, G>A. VCF-style: chr11-3856382-G-A. GRCh37 (hg19) VCF-style: chr11-3877612-G-A.
Other names: c.-84+1646G>A (NM_001382575.1, NM_001382574.1, NM_001382578.1); c.-220+1646G>A (NM_001382580.1, NM_001382581.1); c.-84+1728G>A (NM_001382576.1); c.-84+966G>A (NM_001382566.1, NM_001382579.1, NM_001382577.1 and 1 more transcripts); c.112G>A, p.Ala38Thr (NM_001277961.3, NM_001277962.2, NM_001382568.1 and 3 more transcripts); c.108G>A, p.Gly36= (NM_001382569.1); c.-126G>A (NM_001382571.1); short protein forms A38T.
Identifiers: ClinVar variation 2930879 (VCV002930879.3), dbSNP rs774499633, ClinGen allele CA5830123.